The following is an entry in ClinVar:

ClinVar aggregate classification (germline): Uncertain significance (1 of 4 stars; one submission).

Allele frequency attached by ClinVar (database versions not stated): gnomAD exomes below 0.00001; gnomAD 0.00001.
gnomAD v4.1: 3 of 1,614,042 alleles (0.00019%); highest among the groups gnomAD compares: African/African-American, 0.004%; no homozygotes.

Submission:

Labcorp Genetics (formerly Invitae), Labcorp
Classification: Uncertain significance. Last evaluated: 2022-10-07. Review status: criteria provided, single submitter. Criteria: Invitae Variant Classification Sherloc (09022015). Collection method: clinical testing. Allele origin: germline.
Comment: This sequence change replaces alanine, which is neutral and non-polar, with threonine, which is neutral and polar, at codon 72 of the IMPDH1 protein (p.Ala72Thr). This variant is not present in population databases (gnomAD no frequency). This variant has not been reported in the literature in individuals affected with IMPDH1-related conditions. Algorithms developed to predict the effect of missense changes on protein structure and function (SIFT, PolyPhen-2, Align-GVGD) all suggest that this variant is likely to be tolerated. In summary, the available evidence is currently insufficient to determine the role of this variant in disease. Therefore, it has been classified as a Variant of Uncertain Significance.

NM_000883.4(IMPDH1):c.214G>A (p.Ala72Thr)

Gene: IMPDH1 (inosine monophosphate dehydrogenase 1; minus strand). Cytogenetic location: 7q32.1.
Variant type: single nucleotide variant.
Coding change: c.214G>A on transcript NM_000883.4 (MANE Select); coding-DNA position 214, G replaced by A.
Protein change: p.Ala72Thr; replaces alanine 72 with threonine.
Molecular consequence: missense variant. On other transcripts: intron variant (2).
Genome position (GRCh38, 1-based): chr7:128,409,329, C>T on the plus strand (G>A on the coding strand, the complement: IMPDH1 is on the minus strand). VCF-style: chr7-128409329-C-T. GRCh37 (hg19) VCF-style: chr7-128049383-C-T.
Other names: c.184G>A, p.Ala62Thr (NM_001102605.2); c.214G>A, p.Ala72Thr (NM_001142576.2); c.146+427G>A (NM_001304521.2, NM_183243.3); short protein forms A62T, A72T.
Identifiers: ClinVar variation 1720604 (VCV001720604.5), dbSNP rs1798982573, ClinGen allele CA369180843.